The following is an entry in ClinVar:

ClinVar aggregate classification (germline): Uncertain significance (1 of 4 stars; one submission).

Submission:

Labcorp Genetics (formerly Invitae), Labcorp
Classification: Uncertain significance. Last evaluated: 2023-07-17. Review status: criteria provided, single submitter. Criteria: Invitae Variant Classification Sherloc (09022015). Collection method: clinical testing. Allele origin: germline.
Comment: In summary, the available evidence is currently insufficient to determine the role of this variant in disease. Therefore, it has been classified as a Variant of Uncertain Significance. An algorithm developed to predict the effect of missense changes on protein structure and function (PolyPhen-2) suggests that this variant is likely to be disruptive. ClinVar contains an entry for this variant (Variation ID: 2099850). This variant has not been reported in the literature in individuals affected with NEXMIF-related conditions. This variant is not present in population databases (gnomAD no frequency). This sequence change replaces arginine, which is basic and polar, with isoleucine, which is neutral and non-polar, at codon 640 of the NEXMIF protein (p.Arg640Ile).

NM_001008537.3(NEXMIF):c.1919G>T (p.Arg640Ile)

Gene: NEXMIF (neurite extension and migration factor; minus strand). Cytogenetic location: Xq13.3.
Variant type: single nucleotide variant.
Coding change: c.1919G>T on transcript NM_001008537.3 (MANE Select); coding-DNA position 1919, G replaced by T.
Protein change: p.Arg640Ile; replaces arginine 640 with isoleucine.
Molecular consequence: missense variant.
Genome position (GRCh38, 1-based): chrX:74,742,638, C>A on the plus strand (G>T on the coding strand, the complement: NEXMIF is on the minus strand). VCF-style: chrX-74742638-C-A. GRCh37 (hg19) VCF-style: chrX-73962473-C-A.
Other names: short protein forms R640I.
Identifiers: ClinVar variation 2099850 (VCV002099850.4), dbSNP rs1279639655, ClinGen allele CA413669394.
Genomic context (GRCh38, chrX:74,742,638, plus strand): 5'-CTCTGATCATTACATAATGAAATCTGTTTACTACTTGCTGAAATTTCAATGGATGGGATT[C>A]TTTGAATCCTGTGCCTGTTGCCAAGTTTAGATTTTCGTTTGCGAGCAGGTGGCAGAAATG-3'
Protein context (NP_001008537.1, residues 630-650): SKLGNRHRIQ[Arg640Ile]IPSIEISASS